The following is an entry in ClinVar:

ClinVar aggregate classification (germline): Uncertain significance. Review status: criteria provided, multiple submitters, no conflicts (2 of 4 stars). 2 submissions from 2 submitters: Uncertain significance (2). Last evaluated 2026-08-18.

Conditions:
Inborn genetic diseases. Identifiers: MedGen C0950123, MeSH D030342.
PCNT-related disorder. Also called: PCNT-related condition.

Allele frequency attached by ClinVar (database versions not stated): TOPMed 0.00002; gnomAD exomes 0.00003; gnomAD 0.00001; ExAC 0.00004; ESP Exome Variant Server 0.00008.
gnomAD v4.1: 50 of 1,613,972 alleles (0.0031%); highest among the groups gnomAD compares: African/African-American, 0.0053%; no homozygotes.

Submissions (2):

Ambry Genetics
Classification: Uncertain significance for Inborn genetic diseases. Last evaluated: 2026-08-18. Review status: criteria provided, single submitter. Criteria: Ambry Variant Classification Scheme 2023. Collection method: clinical testing. Allele origin: germline.

PreventionGenetics, part of Exact Sciences
Classification: Uncertain significance for PCNT-related condition. Last evaluated: 2026-08-18. Review status: criteria provided, single submitter. Criteria: ACMG Guidelines, 2015. Collection method: clinical testing. Allele origin: germline.
Comment: The PCNT c.6446C>T variant is predicted to result in the amino acid substitution p.Ala2149Val. To our knowledge, this variant has not been reported in the literature. This variant is reported in 0.012% of alleles in individuals of African descent in gnomAD. At this time, the clinical significance of this variant is uncertain due to the absence of conclusive functional and genetic evidence.

NM_006031.6(PCNT):c.6446C>T (p.Ala2149Val)

Gene: PCNT (pericentrin; plus strand). Cytogenetic location: 21q22.3.
Variant type: single nucleotide variant.
Coding change: c.6446C>T on transcript NM_006031.6 (MANE Select); coding-DNA position 6446, C replaced by T.
Protein change: p.Ala2149Val; replaces alanine 2149 with valine.
Molecular consequence: missense variant.
Genome position (GRCh38, 1-based): chr21:46,416,364, C>T. VCF-style: chr21-46416364-C-T. GRCh37 (hg19) VCF-style: chr21-47836278-C-T.
Other names: c.6092C>T, p.Ala2031Val (NM_001315529.2); short protein forms A2031V, A2149V.
Identifiers: ClinVar variation 2634582 (VCV002634582.4), dbSNP rs147033992, ClinGen allele CA10080335.